The following is an entry in ClinVar:

NM_004006.3(DMD):c.1025A>G (p.Asp342Gly)

Gene: DMD (dystrophin; minus strand). Cytogenetic location: Xp21.1.
Variant type: single nucleotide variant.
Coding change: c.1025A>G on transcript NM_004006.3 (MANE Select); coding-DNA position 1025, A replaced by G.
Protein change: p.Asp342Gly; replaces aspartic acid 342 with glycine.
Molecular consequence: missense variant.
Genome position (GRCh38, 1-based): chrX:32,645,088, T>C on the plus strand (A>G on the coding strand, the complement: DMD is on the minus strand). VCF-style: chrX-32645088-T-C. GRCh37 (hg19) VCF-style: chrX-32663205-T-C.
Other names: c.1001A>G, p.Asp334Gly (NM_000109.4); c.1013A>G, p.Asp338Gly (NM_004009.3); c.656A>G, p.Asp219Gly (NM_004010.3); short protein forms D338G, D334G, D342G, D219G.
Identifiers: ClinVar variation 4777661 (VCV004777661.1).

ClinVar aggregate classification (germline): Uncertain significance (1 of 4 stars; one submission).

Conditions:
Duchenne muscular dystrophy (DMD). Also called: MUSCULAR DYSTROPHY, PSEUDOHYPERTROPHIC PROGRESSIVE, DUCHENNE TYPE; Duchenne Muscular Dystrophy (DMD). Identifiers: Orphanet 98896, MedGen C0013264, MONDO:0010679, OMIM 310200.

Submission:

Labcorp Genetics (formerly Invitae), Labcorp
Classification: Uncertain significance for Duchenne muscular dystrophy. Last evaluated: 2025-12-20. Review status: criteria provided, single submitter. Criteria: Invitae Variant Classification Sherloc (09022015). Collection method: clinical testing. Allele origin: germline.
Comment: This sequence change replaces aspartic acid, which is acidic and polar, with glycine, which is neutral and non-polar, at codon 342 of the DMD protein (p.Asp342Gly). This variant is not present in population databases (gnomAD no frequency). This variant has not been reported in the literature in individuals affected with DMD-related conditions. Invitae Evidence Modeling of protein sequence and biophysical properties (such as structural, functional, and spatial information, amino acid conservation, physicochemical variation, residue mobility, and thermodynamic stability) indicates that this missense variant is not expected to disrupt DMD protein function with a negative predictive value of 95%. In summary, the available evidence is currently insufficient to determine the role of this variant in disease. Therefore, it has been classified as a Variant of Uncertain Significance.